The following is an entry in ClinVar:

ClinVar aggregate classification (germline): Uncertain significance (1 of 4 stars; one submission).

Submission:

GeneDx
Classification: Uncertain significance. Last evaluated: 2026-03-30. Review status: criteria provided, single submitter. Criteria: GeneDx Variant Classification Process June 2021. Collection method: clinical testing. Allele origin: germline.
Comment: In silico analysis supports a deleterious effect on splicing; Has not been previously published as pathogenic or benign to our knowledge; No data available from control populations to assess the frequency of this variant; Located in a regulatory region; in the absence of functional studies, the actual effect of this sequence change is unknown

NM_003998.4(NFKB1):c.-8+1G>A

Genes: NFKB1 (nuclear factor kappa B subunit 1; plus strand), NFKB1-AS1 (NFKB1 antisense RNA 1; minus strand), LOC129992880 (ATAC-STARR-seq lymphoblastoid silent region 15597; plus strand). Cytogenetic location: 4q24.
Variant type: single nucleotide variant.
Coding change: c.-8+1G>A on transcript NM_003998.4 (MANE Select); the canonical splice donor site of the intron after 8 bases upstream of the start codon, G replaced by A.
Molecular consequence: splice donor variant.
Genome position (GRCh38, 1-based): chr4:102,501,789, G>A. VCF-style: chr4-102501789-G-A. GRCh37 (hg19) VCF-style: chr4-103422946-G-A.
Other names: c.-78+1G>A (NM_001382626.1, NM_001382627.1); c.-8+1G>A (NM_001165412.2); c.-1+1G>A (NM_001382628.1).
Identifiers: ClinVar variation 5017546 (VCV005017546.1).